The following is an entry in ClinVar:

NM_015559.3(SETBP1):c.1141T>G (p.Ser381Ala)

Gene: SETBP1 (SET binding protein 1; plus strand). Cytogenetic location: 18q12.3.
Variant type: single nucleotide variant.
Coding change: c.1141T>G on transcript NM_015559.3 (MANE Select); coding-DNA position 1141, T replaced by G.
Protein change: p.Ser381Ala; replaces serine 381 with alanine.
Molecular consequence: missense variant.
Genome position (GRCh38, 1-based): chr18:44,950,481, T>G. VCF-style: chr18-44950481-T-G. GRCh37 (hg19) VCF-style: chr18-42530446-T-G.
Other names: c.1141T>G, p.Ser381Ala (NM_001379141.1, NM_001379142.1); short protein forms S381A.
Identifiers: ClinVar variation 1033368 (VCV001033368.4), dbSNP rs1273193718, ClinGen allele CA402317890.

ClinVar aggregate classification (germline): Conflicting classifications of pathogenicity. Review status: criteria provided, conflicting classifications (1 of 4 stars). 2 submissions from 2 submitters: Uncertain significance (1); Benign (1). Last evaluated 2023-11-27.

Conditions:
Intellectual developmental disorder, autosomal dominant 29. Also called: SETBP1 Haploinsufficiency Disorder; Intellectual disability, autosomal dominant 29. Identifiers: Orphanet 436151, MedGen C4015141, MONDO:0014482, OMIM 616078.

Allele frequency attached by ClinVar (database versions not stated): gnomAD exomes 0.00001; TOPMed 0.00001; gnomAD 0.00002.
gnomAD v4.1: 7 of 1,613,926 alleles (0.00043%); highest among the groups gnomAD compares: Non-Finnish European, 0.00059%; no homozygotes.

Submissions (2):

Labcorp Genetics (formerly Invitae), Labcorp
Classification: Benign. Last evaluated: 2023-11-27. Review status: criteria provided, single submitter. Criteria: Invitae Variant Classification Sherloc (09022015). Collection method: clinical testing. Allele origin: germline.

Baylor Genetics
Classification: Uncertain significance for Intellectual developmental disorder, autosomal dominant 29. Last evaluated: 2018-07-13. Review status: criteria provided, single submitter. Criteria: ACMG Guidelines, 2015. Collection method: clinical testing. Allele origin: unknown. Affected: yes.
Comment: This variant was determined to be of uncertain significance according to ACMG Guidelines, 2015 [PMID:25741868].